The following is an entry in ClinVar:

NM_001375524.1(TRRAP):c.11308G>A (p.Ala3770Thr)

Gene: TRRAP (transformation/transcription domain associated protein; plus strand). Cytogenetic location: 7q22.1.
Variant type: single nucleotide variant.
Coding change: c.11308G>A on transcript NM_001375524.1 (MANE Select); coding-DNA position 11308, G replaced by A.
Protein change: p.Ala3770Thr; replaces alanine 3770 with threonine.
Molecular consequence: missense variant.
Genome position (GRCh38, 1-based): chr7:99,011,506, G>A. VCF-style: chr7-99011506-G-A. GRCh37 (hg19) VCF-style: chr7-98609129-G-A.
Other names: c.11266G>A, p.Ala3756Thr (NM_001244580.2); c.11179G>A, p.Ala3727Thr (NM_003496.4); short protein forms A3756T, A3770T, A3727T.
Identifiers: ClinVar variation 2610731 (VCV002610731.4), dbSNP rs145619183, ClinGen allele CA4362125.

ClinVar aggregate classification (germline): Uncertain significance. Review status: criteria provided, multiple submitters, no conflicts (2 of 4 stars). 2 submissions from 2 submitters: Uncertain significance (2). Last evaluated 2024-07-19.

Conditions:
Inborn genetic diseases. Identifiers: MedGen C0950123, MeSH D030342.

Allele frequency attached by ClinVar (database versions not stated): gnomAD exomes below 0.00001; TOPMed below 0.00001; gnomAD 0.00001; ExAC 0.00002; ESP Exome Variant Server 0.00008.
gnomAD v4.1: 3 of 1,613,930 alleles (0.00019%); highest among the groups gnomAD compares: African/African-American, 0.0013%; no homozygotes.

Submissions (2):

Labcorp Genetics (formerly Invitae), Labcorp
Classification: Uncertain significance. Last evaluated: 2024-07-19. Review status: criteria provided, single submitter. Criteria: Invitae Variant Classification Sherloc (09022015). Collection method: clinical testing. Allele origin: germline.
Comment: This sequence change replaces alanine, which is neutral and non-polar, with threonine, which is neutral and polar, at codon 3727 of the TRRAP protein (p.Ala3727Thr). This variant is not present in population databases (gnomAD no frequency). This variant has not been reported in the literature in individuals affected with TRRAP-related conditions. ClinVar contains an entry for this variant (Variation ID: 2610731). Advanced modeling of protein sequence and biophysical properties (such as structural, functional, and spatial information, amino acid conservation, physicochemical variation, residue mobility, and thermodynamic stability) performed at Invitae indicates that this missense variant is expected to disrupt TRRAP protein function with a positive predictive value of 80%. In summary, the available evidence is currently insufficient to determine the role of this variant in disease. Therefore, it has been classified as a Variant of Uncertain Significance.

Ambry Genetics
Classification: Uncertain significance for Inborn genetic diseases. Last evaluated: 2023-07-11. Review status: criteria provided, single submitter. Criteria: Ambry Variant Classification Scheme 2023. Collection method: clinical testing. Allele origin: germline.